The following is an entry in ClinVar:

ClinVar aggregate classification (germline): Uncertain significance (1 of 4 stars; one submission).

Submission:

GeneDx
Classification: Uncertain significance. Last evaluated: 2026-03-01. Review status: criteria provided, single submitter. Criteria: GeneDx Variant Classification Process June 2021. Collection method: clinical testing. Allele origin: germline.
Comment: Not observed at significant frequency in large population cohorts (gnomAD); In silico analysis supports that this missense variant has a deleterious effect on protein structure/function; Has not been previously published as pathogenic or benign to our knowledge

NM_001102401.4(TTI2):c.109C>G (p.Leu37Val)

Gene: TTI2 (TELO2 interacting protein 2; minus strand). Cytogenetic location: 8p12.
Variant type: single nucleotide variant.
Coding change: c.109C>G on transcript NM_001102401.4 (MANE Select); coding-DNA position 109, C replaced by G.
Protein change: p.Leu37Val; replaces leucine 37 with valine.
Molecular consequence: missense variant.
Genome position (GRCh38, 1-based): chr8:33,512,505, G>C on the plus strand (C>G on the coding strand, the complement: TTI2 is on the minus strand). VCF-style: chr8-33512505-G-C. GRCh37 (hg19) VCF-style: chr8-33370023-G-C.
Other names: c.109C>G, p.Leu37Val (NM_001265581.2, NM_001330505.3, NM_001440381.1 and 1 more transcripts); short protein forms L37V.
Identifiers: ClinVar variation 5008307 (VCV005008307.1).